The following is an entry in ClinVar:

ClinVar aggregate classification (germline): Conflicting classifications of pathogenicity. Review status: criteria provided, conflicting classifications (1 of 4 stars). 2 submissions from 2 submitters: Pathogenic (1); Uncertain significance (1). Last evaluated 2025-04-19.

Conditions:
Mucopolysaccharidosis, MPS-IV-A (MPS4A). Also called: Mucopolysaccharidosis type IV A; Mucopolysaccharidosis Type IVA; Morquio syndrome A, mild; MORQUIO SYNDROME A; MPS IVA; mucopolysaccharidosis type 4A. Identifiers: Orphanet 309297, Orphanet 582, MedGen C0086651, MONDO:0009659, OMIM 253000.

Submissions (2):

Labcorp Genetics (formerly Invitae), Labcorp
Classification: Pathogenic for Mucopolysaccharidosis, MPS-IV-A. Last evaluated: 2025-04-19. Review status: criteria provided, single submitter. Criteria: Invitae Variant Classification Sherloc (09022015). Collection method: clinical testing. Allele origin: germline.
Comment: This sequence change replaces arginine, which is basic and polar, with threonine, which is neutral and polar, at codon 380 of the GALNS protein (p.Arg380Thr). This variant also falls at the last nucleotide of exon 10, which is part of the consensus splice site for this exon. This variant is not present in population databases (gnomAD no frequency). This missense change has been observed in individual(s) with mucopolysaccharidosis type IVA (PMID: 24726177). ClinVar contains an entry for this variant (Variation ID: 1048226). An algorithm developed to predict the effect of missense changes on protein structure and function (PolyPhen-2) suggests that this variant is likely to be disruptive. Variants that disrupt the consensus splice site are a relatively common cause of aberrant splicing (PMID: 17576681, 9536098). Algorithms developed to predict the effect of sequence changes on RNA splicing suggest that this variant may disrupt the consensus splice site. This variant disrupts the p.Arg380 amino acid residue in GALNS. Other variant(s) that disrupt this residue have been determined to be pathogenic (PMID: 15309681, 17876718). This suggests that this residue is clinically significant, and that variants that disrupt this residue are likely to be disease-causing. For these reasons, this variant has been classified as Pathogenic.

Laboratory of Diagnosis and Therapy of Lysosomal Disorders, University of Padova
Classification: Uncertain significance for Mucopolysaccharidosis, MPS-IV-A. Last evaluated: 2021-02-01. Review status: criteria provided, single submitter. Criteria: ACMG Guidelines, 2015. Collection method: curation. Allele origin: germline. Affected: yes.
Comment: In vivo functional studies supportive of a damaging effect on the gene product (low to null enzymatic activity in homozygotes; PS3_supporting); absent from gnomAD v2.1.1 (PM2_moderate); multiple lines of computational evidence support a deleterious effect on the gene (PP3_supporting)

Literature cited by the submitters: PubMed 24726177 (cited by Labcorp Genetics (formerly Invitae), Labcorp and Laboratory of Diagnosis and Therapy of Lysosomal Disorders, University of Padova); PubMed 17576681 (cited by Labcorp Genetics (formerly Invitae), Labcorp); PubMed 9536098 (cited by Labcorp Genetics (formerly Invitae), Labcorp); PubMed 15309681 (cited by Labcorp Genetics (formerly Invitae), Labcorp); PubMed 17876718 (cited by Labcorp Genetics (formerly Invitae), Labcorp); PubMed 16287098 (cited by Laboratory of Diagnosis and Therapy of Lysosomal Disorders, University of Padova); PubMed 34387910 (cited by Laboratory of Diagnosis and Therapy of Lysosomal Disorders, University of Padova).

NM_000512.5(GALNS):c.1139G>C (p.Arg380Thr)

Gene: GALNS (galactosamine (N-acetyl)-6-sulfatase; minus strand). Cytogenetic location: 16q24.3.
Variant type: single nucleotide variant.
Coding change: c.1139G>C on transcript NM_000512.5 (MANE Select); coding-DNA position 1139, G replaced by C.
Protein change: p.Arg380Thr; replaces arginine 380 with threonine.
Molecular consequence: missense variant.
Genome position (GRCh38, 1-based): chr16:88,826,702, C>G on the plus strand (G>C on the coding strand, the complement: GALNS is on the minus strand). VCF-style: chr16-88826702-C-G. GRCh37 (hg19) VCF-style: chr16-88893110-C-G.
Other names: c.584G>C, p.Arg195Thr (NM_001323543.2); c.1157G>C, p.Arg386Thr (NM_001323544.2); short protein forms R195T, R380T, R386T.
Identifiers: ClinVar variation 1048226 (VCV001048226.4), dbSNP rs2142995734, ClinGen allele CA397098123.